The following is an entry in ClinVar:

NM_001754.5(RUNX1):c.183G>A (p.Pro61=)

Gene: RUNX1 (RUNX family transcription factor 1; minus strand). Cytogenetic location: 21q22.12.
Variant type: single nucleotide variant.
Coding change: c.183G>A on transcript NM_001754.5 (MANE Select); coding-DNA position 183, G replaced by A.
Protein change: p.Pro61=; no amino-acid change (proline 61 retained).
Molecular consequence: synonymous variant.
Genome position (GRCh38, 1-based): chr21:34,887,011, C>T on the plus strand (G>A on the coding strand, the complement: RUNX1 is on the minus strand). VCF-style: chr21-34887011-C-T. GRCh37 (hg19) VCF-style: chr21-36259308-C-T.
Other names: p.Pro61=; c.102G>A, p.Pro34= (NM_001001890.3, NM_001122607.2).
Identifiers: ClinVar variation 212088 (VCV000212088.24), dbSNP rs76558016, ClinGen allele CA208646.
Genomic context (GRCh38, chr21:34,887,011, plus strand): 5'-CACCTCCACCATGCTGCGGTCGCCGCTCCTCAGCTTGCCGGCCAGGGCAGCGCCGGCGTC[C>T]GGGGCGCCCAGCGGCAACGCCTCGCTCATCTTGCCTGGGCTCAGCGCGGTGGAAGGCGGC-3'
Protein context (NP_001745.2, residues 51-71): KMSEALPLGA[Pro61=]DAGAALAGKL

ClinVar aggregate classification (germline): Benign. Review status: reviewed by expert panel (3 of 4 stars). 9 submissions from 8 submitters: Benign (1). 8 of the submissions do not count toward it. Last evaluated 2020-08-08.

Conditions:
Hereditary thrombocytopenia and hematologic cancer predisposition syndrome. Identifiers: Orphanet 71290, MedGen CN281654, MONDO:0011071.
Inborn genetic diseases. Identifiers: MedGen C0950123, MeSH D030342.
Acute myeloid leukemia (AML). Also called: Acute myeloid leukemia, adult; AML adult; Acute non-lymphocytic leukemia; Acute granulocytic leukemia; Leukemia, acute myelogenous, somatic; Leukemia, acute myeloid, somatic. Identifiers: Orphanet 519, MedGen C0023467, MeSH D015470, MONDO:0018874, OMIM 601626, HP:0004808. Disease mechanism: Constitutively activated FLT3.
Hereditary thrombocytopenia and hematological cancer predisposition syndrome associated with RUNX1. Also called: RUNX1 Familial Platelet Disorder with Associated Myeloid Malignancies; Familial Platelet Disorder with Propensity to Acute Myelogenous Leukemia; PLATELET DISORDER, ASPIRIN-LIKE; Familial thrombocytopenia with propensity to acute myelogenous leukemia. Identifiers: Orphanet 71290, MedGen C1832388, MeSH C563324, MONDO:0100083, OMIM 601399.

Allele frequency attached by ClinVar (database versions not stated): gnomAD exomes 0.00039 and 0.00105; ExAC 0.00125; ESP Exome Variant Server 0.00412; gnomAD 0.00415 and 0.00454; TOPMed 0.00470; 1000 Genomes Project 0.00479; 1000 Genomes Project 30x 0.00500.
gnomAD v4.1: 1,207 of 1,602,878 alleles (0.075%); highest among the groups gnomAD compares: African/African-American, 1.5%; 19 homozygotes.

Submissions (9):

ClinGen Myeloid Malignancy Variant Curation Expert Panel
Classification: Benign for Hereditary thrombocytopenia and hematologic cancer predisposition syndrome. Last evaluated: 2020-08-08. Review status: reviewed by expert panel. Criteria: ClinGen MyeloMalig ACMG Specifications v1. Collection method: curation. Allele origin: germline. Inheritance: Autosomal dominant inheritance.
Comment: This synonymous variant is present in gnomAD (v2 and v3) at an allele frequency >0.15% with at least >5 alleles in any general continental population (BA1); in addition, the variant was found in homozygosity in the population database (BP2). Although evolutionary conservation prediction algorithms predict the site as being moderately conserved (PhyloP score: 3.03 > 0.1 [-14.1;6.4]) and the variant is not the reference nucleotide in one primate and/or three mammal species, it is predicted by SSF and MES to lead to either an increase in the canonical splice site score or a decrease of the canonical splice site score by no more than 10% and no putative cryptic splice sites are created (BP4). In summary, the clinical significance of this variant is benign. ACMG/AMP criteria applied, as specified by the ClinGen Myeloid Malignancy Variant Curation Expert Panel for RUNX1: BA1, BP2, and BP4.

Labcorp Genetics (formerly Invitae), Labcorp
Classification: Benign for Hereditary thrombocytopenia and hematological cancer predisposition syndrome associated with RUNX1. Last evaluated: 2026-01-26. Review status: criteria provided, single submitter. Criteria: Invitae Variant Classification Sherloc (09022015). Collection method: clinical testing. Allele origin: germline. Not counted in ClinVar's aggregate classification.

KCCC/NGS Laboratory, Kuwait Cancer Control Center
Classification: Benign for Hereditary thrombocytopenia and hematological cancer predisposition syndrome associated with RUNX1. Last evaluated: 2025-02-01. Review status: criteria provided, single submitter. Criteria: ACMG Guidelines, 2015. Collection method: clinical testing. Allele origin: germline. Affected: no. Not counted in ClinVar's aggregate classification.

Ambry Genetics
Classification: Likely benign for Inborn genetic diseases. Last evaluated: 2024-08-21. Review status: criteria provided, single submitter. Criteria: Ambry Variant Classification Scheme 2023. Collection method: clinical testing. Allele origin: germline. Not counted in ClinVar's aggregate classification.

Mayo Clinic Laboratories, Mayo Clinic
Classification: Benign. Last evaluated: 2024-01-08. Review status: criteria provided, single submitter. Criteria: ACMG Guidelines, 2015. Collection method: clinical testing. Allele origin: germline. Observed: 4 variant alleles. Not counted in ClinVar's aggregate classification.
Comment: BS1, BS2, BP4, BP6, BP7

KCCC/NGS Laboratory, Kuwait Cancer Control Center
Classification: Benign for Acute myeloid leukemia. Last evaluated: 2023-07-07. Review status: criteria provided, single submitter. Criteria: ACMG Guidelines, 2015. Collection method: clinical testing. Allele origin: germline. Affected: yes. Not counted in ClinVar's aggregate classification.

Genetic Services Laboratory, University of Chicago
Classification: Benign. Last evaluated: 2018-10-31. Review status: criteria provided, single submitter. Criteria: ACMG Guidelines, 2015. Collection method: clinical testing. Allele origin: germline. Affected: no. Not counted in ClinVar's aggregate classification.

PreventionGenetics, part of Exact Sciences
Classification: Benign. Last evaluated: 2016-08-01. Review status: criteria provided, single submitter. Criteria: ACMG Guidelines, 2015. Collection method: clinical testing. Allele origin: germline. Not counted in ClinVar's aggregate classification.

Breakthrough Genomics
Classification: Benign. Review status: criteria provided, single submitter. Criteria: ACMG Guidelines, 2015. Collection method: not provided. Allele origin: germline. Inheritance: Autosomal dominant inheritance. Affected: yes. Not counted in ClinVar's aggregate classification.